The following is an entry in ClinVar:

ClinVar aggregate classification (germline): Likely benign (1 of 4 stars; one submission).

Conditions:
Primary ciliary dyskinesia 11. Also called: CILIARY DYSKINESIA, PRIMARY, 11, WITHOUT SITUS INVERSUS. Identifiers: Orphanet 244, MedGen C2675229, MONDO:0012978, OMIM 612649.

Allele frequency attached by ClinVar (database versions not stated): gnomAD exomes 0.00081; 1000 Genomes Project 30x 0.00562; 1000 Genomes Project 0.00599; gnomAD 0.00635 and 0.00681; TOPMed 0.00751.
gnomAD v4.1: 1,210 of 451,742 alleles (0.27%); highest among the groups gnomAD compares: African/African-American, 2.2%; 13 homozygotes.

Submission:

Illumina Laboratory Services, Illumina
Classification: Likely benign for Primary ciliary dyskinesia 11. Last evaluated: 2018-01-13. Review status: criteria provided, single submitter. Criteria: ICSL Variant Classification Criteria 13 December 2019. Collection method: clinical testing. Allele origin: germline.
Comment: This variant was observed in the ICSL laboratory as part of a predisposition screen in an ostensibly healthy population. It had not been previously curated by ICSL or reported in the Human Gene Mutation Database (HGMD: prior to June 1st, 2018), and was therefore a candidate for classification through an automated scoring system. Utilizing variant allele frequency, disease prevalence and penetrance estimates, and inheritance mode, an automated score was calculated to assess if this variant is too frequent to cause the disease. Based on the score and internal cut-off values, a variant classified as likely benign is not then subjected to further curation. The score for this variant resulted in a classification of likely benign for this disease.

NM_001010892.3(RSPH4A):c.*250G>T

Gene: RSPH4A (radial spoke head component 4A; plus strand). Cytogenetic location: 6q22.1.
Variant type: single nucleotide variant.
Coding change: c.*250G>T on transcript NM_001010892.3 (MANE Select); 250 bases downstream of the stop codon, G replaced by T.
Molecular consequence: 3 prime UTR variant.
Genome position (GRCh38, 1-based): chr6:116,632,691, G>T. VCF-style: chr6-116632691-G-T. GRCh37 (hg19) VCF-style: chr6-116953854-G-T.
Other names: c.*462G>T (NM_001161664.2).
Identifiers: ClinVar variation 904010 (VCV000904010.4), dbSNP rs58311062, ClinGen allele CA145929045.